The following is an entry in ClinVar:

ClinVar aggregate classification (germline): Uncertain significance (1 of 4 stars; one submission).

Conditions:
Inborn genetic diseases. Identifiers: MedGen C0950123, MeSH D030342.

Submission:

Ambry Genetics
Classification: Uncertain significance for Inborn genetic diseases. Last evaluated: 2025-03-28. Review status: criteria provided, single submitter. Criteria: Ambry Variant Classification Scheme 2023. Collection method: clinical testing. Allele origin: germline.
Comment: The p.Q1433E variant (also known as c.4297C>G), located in coding exon 13 of the ASXL1 gene, results from a C to G substitution at nucleotide position 4297. The glutamine at codon 1433 is replaced by glutamic acid, an amino acid with highly similar properties. This amino acid position is conserved. In addition, this alteration is predicted to be tolerated by in silico analysis. Based on the available evidence, the clinical significance of this variant remains unclear.

NM_015338.6(ASXL1):c.4297C>G (p.Gln1433Glu)

Gene: ASXL1 (ASXL transcriptional regulator 1; plus strand). Cytogenetic location: 20q11.21.
Variant type: single nucleotide variant.
Coding change: c.4297C>G on transcript NM_015338.6 (MANE Select); coding-DNA position 4297, C replaced by G.
Protein change: p.Gln1433Glu; replaces glutamine 1433 with glutamic acid.
Molecular consequence: missense variant.
Genome position (GRCh38, 1-based): chr20:32,437,009, C>G. VCF-style: chr20-32437009-C-G. GRCh37 (hg19) VCF-style: chr20-31024812-C-G.
Other names: c.4114C>G, p.Gln1372Glu (NM_001363734.1); short protein forms Q1433E, Q1372E.
Identifiers: ClinVar variation 3955356 (VCV003955356.1).